The following is an entry in ClinVar:

ClinVar aggregate classification (germline): Uncertain significance (1 of 4 stars; one submission).

Conditions:
Left ventricular noncompaction 1 (LVNC1). Also called: LEFT VENTRICULAR NONCOMPACTION 1 WITH OR WITHOUT CONGENITAL HEART DEFECTS. Identifiers: Orphanet 54260, MedGen C1858725, MONDO:0011403, OMIM 604169.

gnomAD v4.1: 4 of 1,613,936 alleles (0.00025%); highest among the groups gnomAD compares: African/African-American, 0.0053%; no homozygotes.

Submission:

Labcorp Genetics (formerly Invitae), Labcorp
Classification: Uncertain significance for Left ventricular noncompaction 1. Last evaluated: 2025-08-14. Review status: criteria provided, single submitter. Criteria: Invitae Variant Classification Sherloc (09022015). Collection method: clinical testing. Allele origin: germline.
Comment: This sequence change replaces methionine, which is neutral and non-polar, with leucine, which is neutral and non-polar, at codon 724 of the DTNA protein (p.Met724Leu). This variant is present in population databases (no rsID available, gnomAD 0.02%). This variant has not been reported in the literature in individuals affected with DTNA-related conditions. ClinVar contains an entry for this variant (Variation ID: 2786260). An algorithm developed to predict the effect of missense changes on protein structure and function (PolyPhen-2) suggests that this variant is likely to be tolerated. In summary, the available evidence is currently insufficient to determine the role of this variant in disease. Therefore, it has been classified as a Variant of Uncertain Significance.

NM_001386795.1(DTNA):c.2251A>T (p.Met751Leu)

Gene: DTNA (dystrobrevin alpha; plus strand). Cytogenetic location: 18q12.1.
Variant type: single nucleotide variant.
Coding change: c.2251A>T on transcript NM_001386795.1 (MANE Select); coding-DNA position 2251, A replaced by T.
Protein change: p.Met751Leu; replaces methionine 751 with leucine.
Molecular consequence: missense variant.
Genome position (GRCh38, 1-based): chr18:34,882,157, A>T. VCF-style: chr18-34882157-A-T. GRCh37 (hg19) VCF-style: chr18-32462121-A-T.
Other names: c.2080A>T, p.Met694Leu (NM_001386756.1, NM_001386757.1, NM_001386758.1 and 3 more transcripts); c.2077A>T, p.Met693Leu (NM_001386760.1); c.1999A>T, p.Met667Leu (NM_001386761.1, NM_032975.4); c.1996A>T, p.Met666Leu (NM_001386762.1); c.1990A>T, p.Met664Leu (NM_001386763.1, NM_001386764.1, NM_001386765.1 and 5 more transcripts); c.2011A>T, p.Met671Leu (NM_001198939.2); c.1297A>T, p.Met433Leu (NM_001198942.1); c.1240A>T, p.Met414Leu (NM_001198943.1); and 5 more; short protein forms M433L, M666L, M671L, M372L, M376L, M667L, M694L, M663L.
Identifiers: ClinVar variation 2786260 (VCV002786260.3), dbSNP rs1273298767, ClinGen allele CA402168721.